The following is an entry in ClinVar:

NM_013275.6(ANKRD11):c.6474A>T (p.Glu2158Asp)

Gene: ANKRD11 (ankyrin repeat domain containing 11; minus strand). Cytogenetic location: 16q24.3.
Variant type: single nucleotide variant.
Coding change: c.6474A>T on transcript NM_013275.6 (MANE Select); coding-DNA position 6474, A replaced by T.
Protein change: p.Glu2158Asp; replaces glutamic acid 2158 with aspartic acid.
Molecular consequence: missense variant.
Genome position (GRCh38, 1-based): chr16:89,280,068, T>A on the plus strand (A>T on the coding strand, the complement: ANKRD11 is on the minus strand). VCF-style: chr16-89280068-T-A. GRCh37 (hg19) VCF-style: chr16-89346476-T-A.
Other names: c.6474A>T, p.Glu2158Asp (NM_001256182.2, NM_001256183.2); short protein forms E2158D.
Identifiers: ClinVar variation 1698535 (VCV001698535.1), dbSNP rs1453564938, ClinGen allele CA397151078.

ClinVar aggregate classification (germline): Uncertain significance (1 of 4 stars; one submission).

Allele frequency attached by ClinVar (database versions not stated): gnomAD exomes below 0.00001.
gnomAD v4.1: 2 of 1,613,062 alleles (0.00012%); no homozygotes.

Submission:

Women's Health and Genetics/Laboratory Corporation of America, LabCorp
Classification: Uncertain significance. Last evaluated: 2022-06-09. Review status: criteria provided, single submitter. Criteria: LabCorp Variant Classification Summary - May 2015. Collection method: clinical testing. Allele origin: germline.
Comment: Variant summary: ANKRD11 c.6474A>T (p.Glu2158Asp) results in a conservative amino acid change in the encoded protein sequence. Five of five in-silico tools predict a benign effect of the variant on protein function. The variant allele was found at a frequency of 4.1e-06 in 242200 control chromosomes. The available data on variant occurrences in the general population are insufficient to allow any conclusion about variant significance. To our knowledge, no occurrence of c.6474A>T in individuals affected with KBG Syndrome and no experimental evidence demonstrating its impact on protein function have been reported. No clinical diagnostic laboratories have submitted clinical-significance assessments for this variant to ClinVar after 2014. Based on the evidence outlined above, the variant was classified as uncertain significance.